The following is an entry in ClinVar:

NM_015665.6(AAAS):c.123+1G>T

Gene: AAAS (aladin WD repeat nucleoporin; minus strand). Cytogenetic location: 12q13.13.
Variant type: single nucleotide variant.
Coding change: c.123+1G>T on transcript NM_015665.6 (MANE Select); the canonical splice donor site of the intron after coding-DNA position 123, G replaced by T.
Molecular consequence: splice donor variant.
Genome position (GRCh38, 1-based): chr12:53,321,342, C>A on the plus strand (G>T on the coding strand, the complement: AAAS is on the minus strand). VCF-style: chr12-53321342-C-A. GRCh37 (hg19) VCF-style: chr12-53715126-C-A.
Other names: c.123+1G>T (NM_001173466.2).
Identifiers: ClinVar variation 2842742 (VCV002842742.3), dbSNP rs2498644145, ClinGen allele CA385047039.

ClinVar aggregate classification (germline): Likely pathogenic (1 of 4 stars; one submission).

Allele frequency attached by ClinVar (database versions not stated): gnomAD exomes below 0.00001.
gnomAD v4.1: 1 of 1,613,650 alleles (0.000062%); highest among the groups gnomAD compares: Non-Finnish European, 0.000085%; no homozygotes.

Submission:

Labcorp Genetics (formerly Invitae), Labcorp
Classification: Likely pathogenic. Last evaluated: 2023-03-03. Review status: criteria provided, single submitter. Criteria: Invitae Variant Classification Sherloc (09022015). Collection method: clinical testing. Allele origin: germline.
Comment: This sequence change affects a donor splice site in intron 1 of the AAAS gene. It is expected to disrupt RNA splicing. Variants that disrupt the donor or acceptor splice site typically lead to a loss of protein function (PMID: 16199547), and loss-of-function variants in AAAS are known to be pathogenic (PMID: 11159947). This variant is not present in population databases (gnomAD no frequency). Disruption of this splice site has been observed in individual(s) with achalasia-addisonianism-alacrimia syndrome (PMID: 20499090). Algorithms developed to predict the effect of sequence changes on RNA splicing suggest that this variant may disrupt the consensus splice site. In summary, the currently available evidence indicates that the variant is pathogenic, but additional data are needed to prove that conclusively. Therefore, this variant has been classified as Likely Pathogenic.

Literature cited by the submitters: PubMed 16199547; PubMed 11159947; PubMed 20499090.